The following is an entry in ClinVar:

ClinVar aggregate classification (germline): Conflicting classifications of pathogenicity. Review status: criteria provided, conflicting classifications (1 of 4 stars). 5 submissions from 5 submitters: Pathogenic (2); Likely pathogenic (1); Uncertain significance (2). Last evaluated 2024-02-01.

Conditions:
Oculocutaneous albinism type 1A (OCA1A). Also called: Albinism, oculocutaneous, type IA. Identifiers: Orphanet 352731, Orphanet 79431, MedGen C4551504, MONDO:0008745, OMIM 203100. Disease mechanism: loss of function.
Oculocutaneous albinism type 1B (OCA1B). Also called: YELLOW ALBINISM; ALBINISM, YELLOW MUTANT TYPE; ALBINISM, OCULOCUTANEOUS, TYPE IB. Identifiers: Orphanet 352731, Orphanet 352737, Orphanet 79434, MedGen C1847024, MONDO:0011749, OMIM 606952.
SKIN/HAIR/EYE PIGMENTATION 3, LIGHT/DARK SKIN (SHEP3). Also called: EYE COLOR 1; EYE COLOR, GREEN/BLUE; SKIN/HAIR/EYE PIGMENTATION, VARIATION IN, 3; SKIN/HAIR/EYE PIGMENTATION 3, BLUE/GREEN EYE COLOR; SKIN/HAIR/EYE PIGMENTATION 3, FRECKLING. Identifiers: MedGen C2677190, OMIM 601800.

Submissions (5):

Fulgent Genetics
Classification: Likely pathogenic for Oculocutaneous albinism type 1A; SKIN/HAIR/EYE PIGMENTATION 3, LIGHT/DARK SKIN; Oculocutaneous albinism type 1B. Last evaluated: 2024-02-01. Review status: criteria provided, single submitter. Criteria: ACMG Guidelines, 2015. Collection method: clinical testing. Allele origin: germline.

GeneDx
Classification: Uncertain significance. Last evaluated: 2023-11-04. Review status: criteria provided, single submitter. Criteria: GeneDx Variant Classification Process June 2021. Collection method: clinical testing. Allele origin: germline. Affected: yes.
Comment: In silico analysis supports a deleterious effect on protein structure/function; In-frame deletion of 1 amino acids in a non-repeat region; This variant is associated with the following publications: (PMID: 32411182)

Labcorp Genetics (formerly Invitae), Labcorp
Classification: Uncertain significance. Last evaluated: 2023-03-18. Review status: criteria provided, single submitter. Criteria: Invitae Variant Classification Sherloc (09022015). Collection method: clinical testing. Allele origin: germline.
Comment: In summary, the available evidence is currently insufficient to determine the role of this variant in disease. Therefore, it has been classified as a Variant of Uncertain Significance. This variant disrupts a region of the TYR protein in which other variant(s) (p.Lys131Glu) have been observed in individuals with TYR-related conditions (PMID: 16098056). This suggests that this is a clinically significant region of the protein, and that variants that disrupt it are likely to be disease-causing. Experimental studies and prediction algorithms are not available or were not evaluated, and the functional significance of this variant is currently unknown. ClinVar contains an entry for this variant (Variation ID: 800539). This variant has been observed in individual(s) with oculocutaneous albinism (PMID: 32411182; Invitae). This variant is present in population databases (no rsID available, gnomAD 0.02%). This variant, c.391_393del, results in the deletion of 1 amino acid(s) of the TYR protein (p.Lys131del), but otherwise preserves the integrity of the reading frame.

Genome-Nilou Lab
Classification: Pathogenic for Oculocutaneous albinism type 1A. Last evaluated: 2021-07-22. Review status: criteria provided, single submitter. Criteria: ACMG Guidelines, 2015. Collection method: clinical testing. Allele origin: germline. Affected: no.

Pele Pequeno Principe Research Institute, Faculdades Pequeno Principe
Classification: Pathogenic for Oculocutaneous albinism type 1B. Review status: criteria provided, single submitter. Criteria: ACMG Guidelines, 2015. Collection method: research. Allele origin: germline. Inheritance: Autosomal recessive inheritance. Affected: yes.

Literature cited by the submitters: PubMed 16098056 (cited by Labcorp Genetics (formerly Invitae), Labcorp); PubMed 32411182 (cited by Labcorp Genetics (formerly Invitae), Labcorp).

NM_000372.5(TYR):c.391_393del (p.Lys131del)

Gene: TYR (tyrosinase; plus strand). Cytogenetic location: 11q14.3.
Variant type: Deletion.
Coding change: c.391_393del on transcript NM_000372.5 (MANE Select); coding-DNA positions 391 to 393, 3 bases deleted (AAG; older notation c.391_393delAAG).
Protein change: p.Lys131del; deletes lysine 131.
Molecular consequence: inframe deletion.
Genome position (GRCh38, 1-based): chr11:89,178,344-89,178,346, AAG deleted; deleting any 3 consecutive bases within chr11:89,178,342-89,178,346 gives the same sequence; the c. name uses the placement nearest the transcript's 3' end. VCF-style (leftmost placement, unchanged base first): chr11-89178341-GAGA-G. GRCh37 (hg19) VCF-style: chr11-88911509-GAGA-G.
Other names: c.389_391delAGA (NM_000372.5); c.391_393del (NM_000372.4); short protein forms K131del.
Identifiers: ClinVar variation 800539 (VCV000800539.7), dbSNP rs1413017181, ClinGen allele CA601191351.
Genomic context (GRCh38, chr11:89,178,341, plus strand): 5'-CCAAACTGCACAGAGAGACGACTCTTGGTGAGAAGAAACATCTTCGATTTGAGTGCCCCA[GAGA>G]AGGACAAATTTTTTGCCTACCTCACTTTAGCAAAGCATACCATCAGCTCAGACTATGTCA-3'